The following is an entry in ClinVar:

ClinVar aggregate classification (germline): Uncertain significance (1 of 4 stars; one submission).

gnomAD v4.1: 2 of 1,613,992 alleles (0.00012%); highest among the groups gnomAD compares: Non-Finnish European, 0.00017%; no homozygotes.

Submission:

GeneDx
Classification: Uncertain significance. Last evaluated: 2026-01-21. Review status: criteria provided, single submitter. Criteria: GeneDx Variant Classification Process June 2021. Collection method: clinical testing. Allele origin: germline.
Comment: Not observed at significant frequency in large population cohorts (gnomAD); In silico analysis suggests that this missense variant does not alter protein structure/function; Has not been previously published as pathogenic or benign to our knowledge

NM_021224.6(ZNF462):c.4876G>C (p.Glu1626Gln)

Gene: ZNF462 (zinc finger protein 462; plus strand). Cytogenetic location: 9q31.2.
Variant type: single nucleotide variant.
Coding change: c.4876G>C on transcript NM_021224.6 (MANE Select); coding-DNA position 4876, G replaced by C.
Protein change: p.Glu1626Gln; replaces glutamic acid 1626 with glutamine.
Molecular consequence: missense variant. On other transcripts: intron variant (1).
Genome position (GRCh38, 1-based): chr9:106,928,788, G>C. VCF-style: chr9-106928788-G-C. GRCh37 (hg19) VCF-style: chr9-109691069-G-C.
Other names: c.3252+1624G>C (NM_001347997.2); short protein forms E1626Q.
Identifiers: ClinVar variation 4975429 (VCV004975429.1).